The following is an entry in ClinVar:

ClinVar aggregate classification (germline): Uncertain significance. Review status: criteria provided, multiple submitters, no conflicts (2 of 4 stars). 2 submissions from 2 submitters: Uncertain significance (2). Last evaluated 2025-12-04.

Conditions:
Hyper-IgM syndrome type 5 (HIGM5). Also called: Hyper-IgM Immunodeficiency Syndrome, Type 5. Identifiers: Orphanet 101092, MedGen C1720958, MONDO:0011971, OMIM 608106.

Allele frequency attached by ClinVar (database versions not stated): gnomAD exomes 0.00001 and 0.00004; ExAC 0.00004; gnomAD 0.00006; TOPMed 0.00006; ESP Exome Variant Server 0.00015.
gnomAD v4.1: 28 of 1,611,890 alleles (0.0017%); highest among the groups gnomAD compares: Non-Finnish European, 0.0022%; no homozygotes.

Submissions (2):

Ambry Genetics
Classification: Uncertain significance. Last evaluated: 2025-12-04. Review status: criteria provided, single submitter. Criteria: Ambry Variant Classification Scheme 2023. Collection method: clinical testing. Allele origin: germline.

Labcorp Genetics (formerly Invitae), Labcorp
Classification: Uncertain significance for Hyper-IgM syndrome type 5. Last evaluated: 2021-09-01. Review status: criteria provided, single submitter. Criteria: Invitae Variant Classification Sherloc (09022015). Collection method: clinical testing. Allele origin: germline.
Comment: This sequence change replaces proline with leucine at codon 58 of the UNG protein (p.Pro58Leu). The proline residue is moderately conserved and there is a moderate physicochemical difference between proline and leucine. This variant is present in population databases (rs371482568, ExAC 0.008%). This variant has not been reported in the literature in individuals affected with UNG-related conditions. Algorithms developed to predict the effect of missense changes on protein structure and function (SIFT, PolyPhen-2, Align-GVGD) all suggest that this variant is likely to be tolerated. In summary, the available evidence is currently insufficient to determine the role of this variant in disease. Therefore, it has been classified as a Variant of Uncertain Significance.

NM_080911.3(UNG):c.173C>T (p.Pro58Leu)

Gene: UNG (uracil DNA glycosylase; plus strand). Cytogenetic location: 12q24.11.
Variant type: single nucleotide variant.
Coding change: c.173C>T on transcript NM_080911.3 (MANE Select); coding-DNA position 173, C replaced by T.
Protein change: p.Pro58Leu; replaces proline 58 with leucine.
Molecular consequence: missense variant.
Genome position (GRCh38, 1-based): chr12:109,098,472, C>T. VCF-style: chr12-109098472-C-T. GRCh37 (hg19) VCF-style: chr12-109536277-C-T.
Other names: c.146C>T, p.Pro49Leu (NM_003362.4); c.173C>T (NM_080911.2); short protein forms P49L, P58L.
Identifiers: ClinVar variation 1015993 (VCV001015993.7), dbSNP rs371482568, ClinGen allele CA6772513.